The following is an entry in ClinVar:

ClinVar aggregate classification (germline): Benign/Likely benign. Review status: criteria provided, multiple submitters, no conflicts (2 of 4 stars). 4 submissions from 4 submitters: Benign (1); Likely benign (3). Last evaluated 2026-05-21.

Conditions:
Hereditary cancer-predisposing syndrome. Also called: Hereditary neoplastic syndrome; Neoplastic Syndromes, Hereditary; Hereditary Cancer Syndrome; Tumor predisposition. Identifiers: Orphanet 140162, MedGen C0027672, MeSH D009386, MONDO:0015356.
Cardiovascular phenotype. Identifiers: MedGen CN230736.
Neurofibromatosis, type 1 (NF1). Also called: Peripheral type neurofibromatosis; Neurofibromatosis, type I; VON RECKLINGHAUSEN DISEASE; NEUROFIBROMATOSIS, TYPE I, SOMATIC. Identifiers: Orphanet 636, MedGen C0027831, MONDO:0018975, OMIM 162200. Disease mechanism: loss of function.

Allele frequency attached by ClinVar (database versions not stated): gnomAD exomes below 0.00001.
gnomAD v4.1: 2 of 1,614,034 alleles (0.00012%); highest among the groups gnomAD compares: Non-Finnish European, 0.00017%; no homozygotes.

Submissions (4):

Myriad Genetics, Inc.
Classification: Benign for Neurofibromatosis, type 1. Last evaluated: 2026-05-21. Review status: criteria provided, single submitter. Criteria: Myriad Autosomal Dominant, Autosomal Recessive and X-Linked Classification Criteria (2023). Collection method: clinical testing. Allele origin: unknown.
Comment: This variant is considered benign. This variant is a silent/synonymous amino acid change and it is not expected to impact splicing.

Labcorp Genetics (formerly Invitae), Labcorp
Classification: Likely benign for Neurofibromatosis, type 1. Last evaluated: 2025-12-18. Review status: criteria provided, single submitter. Criteria: Invitae Variant Classification Sherloc (09022015). Collection method: clinical testing. Allele origin: germline.

Genome-Nilou Lab
Classification: Likely benign for Neurofibromatosis, type 1. Last evaluated: 2022-03-15. Review status: criteria provided, single submitter. Criteria: ACMG Guidelines, 2015. Collection method: clinical testing. Allele origin: germline. Affected: no.

Ambry Genetics
Classification: Likely benign for Cardiovascular phenotype; Hereditary cancer-predisposing syndrome. Last evaluated: 2017-02-28. Review status: criteria provided, single submitter. Criteria: Ambry Variant Classification Scheme 2023. Collection method: clinical testing. Allele origin: germline.

NM_001042492.3(NF1):c.6201T>C (p.Pro2067=)

Gene: NF1 (neurofibromin 1; plus strand). Cytogenetic location: 17q11.2.
Variant type: single nucleotide variant.
Coding change: c.6201T>C on transcript NM_001042492.3 (MANE Select); coding-DNA position 6201, T replaced by C.
Protein change: p.Pro2067=; no amino-acid change (proline 2067 retained).
Molecular consequence: synonymous variant.
Genome position (GRCh38, 1-based): chr17:31,336,688, T>C. VCF-style: chr17-31336688-T-C. GRCh37 (hg19) VCF-style: chr17-29663706-T-C.
Other names: c.6138T>C, p.Pro2046= (NM_000267.4).
Identifiers: ClinVar variation 484102 (VCV000484102.16), dbSNP rs1555534671, ClinGen allele CA499446238.